The following is an entry in ClinVar:

NM_014915.3(ANKRD26):c.3313C>T (p.Gln1105Ter)

Gene: ANKRD26 (ankyrin repeat domain 26; minus strand). Cytogenetic location: 10p12.1.
Variant type: single nucleotide variant.
Coding change: c.3313C>T on transcript NM_014915.3 (MANE Select); coding-DNA position 3313, C replaced by T.
Protein change: p.Gln1105Ter; replaces glutamine 1105 with a stop codon.
Molecular consequence: nonsense.
Genome position (GRCh38, 1-based): chr10:27,035,137, G>A on the plus strand (C>T on the coding strand, the complement: ANKRD26 is on the minus strand). VCF-style: chr10-27035137-G-A. GRCh37 (hg19) VCF-style: chr10-27324066-G-A.
Other names: c.3310C>T, p.Gln1104Ter (NM_001256053.2); short protein forms Q1104*, Q1105*.
Identifiers: ClinVar variation 4882477 (VCV004882477.2).

ClinVar aggregate classification (germline): Uncertain significance (1 of 4 stars; one submission).

gnomAD v4.1: 2 of 1,613,580 alleles (0.00012%); highest among the groups gnomAD compares: African/African-American, 0.0013%; no homozygotes.

Submission:

Dasa
Classification: Uncertain significance. Last evaluated: 2024-11-17. Review status: criteria provided, single submitter. Criteria: DASA Assertion Criteria. Collection method: clinical testing. Allele origin: germline.
Comment: NM_014915.3(ANKRD26):c.3313C>T (p.Gln1105*) is a nonsense variant in ANKRD26 predicted to introduce a premature termination codon. This variant is rare in population databases. The currently available literature and clinical evidence are not sufficient to establish a definitive association between this variant and the reported condition. Therefore, this variant is classified as a variant of uncertain significance.